The following is an entry in ClinVar:

NM_005257.6(GATA6):c.1622C>T (p.Ala541Val)

Gene: GATA6 (GATA binding protein 6; plus strand). Cytogenetic location: 18q11.2.
Variant type: single nucleotide variant.
Coding change: c.1622C>T on transcript NM_005257.6 (MANE Select); coding-DNA position 1622, C replaced by T.
Protein change: p.Ala541Val; replaces alanine 541 with valine.
Molecular consequence: missense variant.
Genome position (GRCh38, 1-based): chr18:22,200,657, C>T. VCF-style: chr18-22200657-C-T. GRCh37 (hg19) VCF-style: chr18-19780620-C-T.
Other names: short protein forms A541V.
Identifiers: ClinVar variation 2068029 (VCV002068029.4), dbSNP rs1441023437, ClinGen allele CA401803014.

ClinVar aggregate classification (germline): Uncertain significance (1 of 4 stars; one submission).

Conditions:
Atrioventricular septal defect 5 (AVSD5). Identifiers: MedGen C3280939, MONDO:0013769, OMIM 614474.

Allele frequency attached by ClinVar (database versions not stated): TOPMed 0.00002.
gnomAD v4.1: 8 of 1,614,244 alleles (0.0005%); highest among the groups gnomAD compares: African/African-American, 0.004%; no homozygotes.

Submission:

Labcorp Genetics (formerly Invitae), Labcorp
Classification: Uncertain significance for Atrioventricular septal defect 5. Last evaluated: 2022-03-18. Review status: criteria provided, single submitter. Criteria: Invitae Variant Classification Sherloc (09022015). Collection method: clinical testing. Allele origin: germline.
Comment: This sequence change replaces alanine, which is neutral and non-polar, with valine, which is neutral and non-polar, at codon 541 of the GATA6 protein (p.Ala541Val). This variant is present in population databases (no rsID available, gnomAD 0.01%). This variant has not been reported in the literature in individuals affected with GATA6-related conditions. Algorithms developed to predict the effect of missense changes on protein structure and function output the following: SIFT: "Tolerated"; PolyPhen-2: "Benign"; Align-GVGD: "Class C0". The valine amino acid residue is found in multiple mammalian species, which suggests that this missense change does not adversely affect protein function. Algorithms developed to predict the effect of sequence changes on RNA splicing suggest that this variant may create or strengthen a splice site. In summary, the available evidence is currently insufficient to determine the role of this variant in disease. Therefore, it has been classified as a Variant of Uncertain Significance.